The following is an entry in ClinVar:

ClinVar aggregate classification (germline): Uncertain significance (1 of 4 stars; one submission).

Conditions:
Sulfite oxidase deficiency due to molybdenum cofactor deficiency type C. Also called: Molybdenum cofactor deficiency C; Molybdenum cofactor deficiency, complementation group C. Identifiers: Orphanet 308400, Orphanet 833, MedGen C1854990, MONDO:0014212, OMIM 615501.

gnomAD v4.1: 1 of 1,613,888 alleles (0.000062%); highest among the groups gnomAD compares: Non-Finnish European, 0.000085%; no homozygotes.

Submission:

Labcorp Genetics (formerly Invitae), Labcorp
Classification: Uncertain significance for Sulfite oxidase deficiency due to molybdenum cofactor deficiency type C. Last evaluated: 2024-07-24. Review status: criteria provided, single submitter. Criteria: Invitae Variant Classification Sherloc (09022015). Collection method: clinical testing. Allele origin: germline.
Comment: This sequence change affects codon 758 of the GPHN mRNA. It is a 'silent' change, meaning that it does not change the encoded amino acid sequence of the GPHN protein. This variant is not present in population databases (gnomAD no frequency). This variant has not been reported in the literature in individuals affected with GPHN-related conditions. Algorithms developed to predict the effect of sequence changes on RNA splicing suggest that this variant may create or strengthen a splice site. In summary, the available evidence is currently insufficient to determine the role of this variant in disease. Therefore, it has been classified as a Variant of Uncertain Significance.

NM_020806.5(GPHN):c.2274C>T (p.Gly758=)

Gene: GPHN (gephyrin; plus strand). Cytogenetic location: 14q23.3.
Variant type: single nucleotide variant.
Coding change: c.2274C>T on transcript NM_020806.5 (MANE Select); coding-DNA position 2274, C replaced by T.
Protein change: p.Gly758=; no amino-acid change (glycine 758 retained).
Molecular consequence: synonymous variant.
Genome position (GRCh38, 1-based): chr14:67,180,901, C>T. VCF-style: chr14-67180901-C-T. GRCh37 (hg19) VCF-style: chr14-67647618-C-T.
Other names: c.2232C>T, p.Gly744= (NM_001377518.1); c.2214C>T, p.Gly738= (NM_001377519.1); c.2247C>T, p.Gly749= (NM_001377517.1); c.2175C>T, p.Gly725= (NM_001024218.2); c.2334C>T, p.Gly778= (NM_001377514.1); c.2304C>T, p.Gly768= (NM_001377515.1); c.2295C>T, p.Gly765= (NM_001377516.1).
Identifiers: ClinVar variation 3648368 (VCV003648368.2).